The following is an entry in ClinVar:

ClinVar aggregate classification (germline): Pathogenic (1 of 4 stars; one submission).

Conditions:
Developmental and epileptic encephalopathy, 25 (DEE25). Also called: Developmental and epileptic encephalopathy 25, with amelogenesis imperfecta; Epileptic encephalopathy, early infantile, 25, with amelogenesis imperfecta; Epileptic encephalopathy, early infantile, 25. Identifiers: Orphanet 442835, MedGen C4014621, MONDO:0014392, OMIM 615905.

Submission:

Labcorp Genetics (formerly Invitae), Labcorp
Classification: Pathogenic for Developmental and epileptic encephalopathy, 25. Last evaluated: 2024-02-15. Review status: criteria provided, single submitter. Criteria: Invitae Variant Classification Sherloc (09022015). Collection method: clinical testing. Allele origin: germline.
Comment: This sequence change creates a premature translational stop signal (p.Leu454Cysfs*45) in the SLC13A5 gene. It is expected to result in an absent or disrupted protein product. Loss-of-function variants in SLC13A5 are known to be pathogenic (PMID: 24995870, 26384929). This variant is not present in population databases (gnomAD no frequency). This variant has not been reported in the literature in individuals affected with SLC13A5-related conditions. For these reasons, this variant has been classified as Pathogenic.

Literature cited by the submitters: PubMed 24995870; PubMed 26384929.

NM_177550.5(SLC13A5):c.1354_1358dup (p.Leu454fs)

Gene: SLC13A5 (solute carrier family 13 member 5; minus strand). Cytogenetic location: 17p13.1.
Variant type: Duplication.
Coding change: c.1354_1358dup on transcript NM_177550.5 (MANE Select); coding-DNA positions 1354 to 1358, 5 bases duplicated (TTGTC; older notation c.1354_1358dupTTGTC).
Protein change: p.Leu454fs; shifts the reading frame from leucine 454.
Molecular consequence: frameshift variant.
Genome position (GRCh38, 1-based): chr17:6,690,858-6,690,862, GACAA duplicated on the plus strand (TTGTC on the coding strand, the reverse complement: SLC13A5 is on the minus strand); duplicating any 5 consecutive bases within chr17:6,690,858-6,690,864 gives the same sequence; the c. name uses the placement nearest the transcript's 3' end. VCF-style (leftmost placement, unchanged base first): chr17-6690857-G-GGACAA. GRCh37 (hg19) VCF-style: chr17-6594176-G-GGACAA.
Other names: c.1354_1358dup, p.Leu454fs (NM_001143838.3); c.1303_1307dup, p.Leu437fs (NM_001284509.2); c.1225_1229dup, p.Leu411fs (NM_001284510.2); short protein forms L437fs, L454fs, L411fs.
Identifiers: ClinVar variation 3641048 (VCV003641048.2).
Genomic context (GRCh38, chr17:6,690,857, plus strand): 5'-CAGGAACAAGGTGGTGGTGGCCACGTTGCTTGTGCACTCAGTGAACACGGCAACGAGCAA[G>GGACAA]GACAAGATCAAGGTGATGGCTGCCGGGGGCACTGCGTGCAAGGGCTCCATCTGCTTCCCC-3'